The following is an entry in ClinVar:

ClinVar aggregate classification (germline): Uncertain significance (1 of 4 stars; one submission).

Conditions:
Global developmental delay with speech and behavioral abnormalities. Identifiers: MedGen C5543226, MONDO:0030995, OMIM 619243.

Allele frequency attached by ClinVar (database versions not stated): gnomAD exomes below 0.00001; TOPMed below 0.00001.
gnomAD v4.1: 1 of 1,613,978 alleles (0.000062%); highest among the groups gnomAD compares: Non-Finnish European, 0.000085%; no homozygotes.

Submission:

New York Genome Center
Classification: Uncertain significance for Global developmental delay with speech and behavioral abnormalities. Last evaluated: 2021-08-26. Review status: criteria provided, single submitter. Criteria: NYGC Assertion Criteria 2020. Collection method: clinical testing. Allele origin: germline. Observed: 1 heterozygote. Study: CSER-NYCKidSeq.
Comment: The c.4876G>A, p.Gly1626Arg missense variant has not been reported in the literature for TNRC6B-related disorders. This variant is absent in the gnomAD v3 database, suggesting it is not a common benign variant in the populations represented in this database. In silico tools predicts conflicting interpretations of pathogenicity. Based on the available evidence, the missense variant c.4876G>A, p.Gly1626Arg in the TNRC6B gene is classified as a Variant ofUncertain Significance.

NM_001162501.2(TNRC6B):c.4876G>A (p.Gly1626Arg)

Gene: TNRC6B (trinucleotide repeat containing adaptor 6B; plus strand). Cytogenetic location: 22q13.1.
Variant type: single nucleotide variant.
Coding change: c.4876G>A on transcript NM_001162501.2 (MANE Select); coding-DNA position 4876, G replaced by A.
Protein change: p.Gly1626Arg; replaces glycine 1626 with arginine.
Molecular consequence: missense variant.
Genome position (GRCh38, 1-based): chr22:40,315,480, G>A. VCF-style: chr22-40315480-G-A. GRCh37 (hg19) VCF-style: chr22-40711484-G-A.
Other names: c.2464G>A, p.Gly822Arg (NM_001024843.2); c.4546G>A, p.Gly1516Arg (NM_015088.3); short protein forms G1516R, G1626R, G822R.
Identifiers: ClinVar variation 1701737 (VCV001701737.1), dbSNP rs2071245081, ClinGen allele CA411670754.